The following is an entry in ClinVar:

ClinVar aggregate classification (germline): Uncertain significance. Review status: criteria provided, multiple submitters, no conflicts (2 of 4 stars). 2 submissions from 2 submitters: Uncertain significance (2). Last evaluated 2024-05-05.

Conditions:
Loeys-Dietz syndrome 2 (LDS2). Also called: TGFBR2-Related Loeys-Dietz Syndrome; Marfan syndrome, type 2 (formerly); AORTIC ANEURYSM, FAMILIAL THORACIC 3; MARFAN SYNDROME, TYPE II; Marfan Syndrome type 2; Marfan like connective tissue disorder. Identifiers: Orphanet 284973, Orphanet 558, MedGen C2674574, MONDO:0012427, OMIM 610168.

Allele frequency attached by ClinVar (database versions not stated): ExAC 0.00001; gnomAD exomes 0.00001; TOPMed 0.00001.
gnomAD v4.1: 7 of 1,613,862 alleles (0.00043%); highest among the groups gnomAD compares: Non-Finnish European, 0.00059%; no homozygotes.

Submissions (2):

Labcorp Genetics (formerly Invitae), Labcorp
Classification: Uncertain significance for Loeys-Dietz syndrome 2. Last evaluated: 2024-05-05. Review status: criteria provided, single submitter. Criteria: Invitae Variant Classification Sherloc (09022015). Collection method: clinical testing. Allele origin: germline.
Comment: This sequence change replaces serine, which is neutral and polar, with alanine, which is neutral and non-polar, at codon 664 of the TMPO protein (p.Ser664Ala). This variant is present in population databases (rs759247844, gnomAD 0.003%). This variant has not been reported in the literature in individuals affected with TMPO-related conditions. ClinVar contains an entry for this variant (Variation ID: 567799). Advanced modeling of protein sequence and biophysical properties (such as structural, functional, and spatial information, amino acid conservation, physicochemical variation, residue mobility, and thermodynamic stability) performed at Invitae indicates that this missense variant is not expected to disrupt TMPO protein function with a negative predictive value of 80%. In summary, the available evidence is currently insufficient to determine the role of this variant in disease. Therefore, it has been classified as a Variant of Uncertain Significance.

Ambry Genetics
Classification: Uncertain significance. Last evaluated: 2022-08-20. Review status: criteria provided, single submitter. Criteria: Ambry Variant Classification Scheme 2023. Collection method: clinical testing. Allele origin: germline.
Comment: The p.S664A variant (also known as c.1990T>G), located in coding exon 4 of the TMPO gene, results from a T to G substitution at nucleotide position 1990. The serine at codon 664 is replaced by alanine, an amino acid with similar properties. This amino acid position is conserved. In addition, this alteration is predicted to be tolerated by in silico analysis. Since supporting evidence is limited at this time, the clinical significance of this alteration remains unclear.

NM_001032283.3(TMPO):c.565+2409T>G

Gene: TMPO (thymopoietin; plus strand). Cytogenetic location: 12q23.1.
Variant type: single nucleotide variant.
Coding change: c.565+2409T>G on transcript NM_001032283.3 (MANE Select); 2409 bases into the intron after coding-DNA position 565, T replaced by G.
Molecular consequence: intron variant. On other transcripts: missense variant (1).
Genome position (GRCh38, 1-based): chr12:98,534,247, T>G. VCF-style: chr12-98534247-T-G. GRCh37 (hg19) VCF-style: chr12-98928025-T-G.
Other names: c.1990T>G, p.Ser664Ala (NM_003276.2); c.565+2409T>G (NM_001307975.2, NM_001032284.3); short protein forms S664A.
Identifiers: ClinVar variation 567799 (VCV000567799.11), dbSNP rs759247844, ClinGen allele CA6732526.
Genomic context (GRCh38, chr12:98,534,247, plus strand): 5'-GGAAATGCCACTGTAGGTCGTCGATACCTCTGGCTGAAGGATTGCAAAATTAATTTAGCT[T>G]CTAAGAATAAGCTGGCTTCCACTCCCTTTAAAGGTGGAACATTATTTGGAGGAGAAGTAT-3'